The following is an entry in ClinVar:

ClinVar aggregate classification (germline): Uncertain significance. Review status: criteria provided, multiple submitters, no conflicts (2 of 4 stars). 2 submissions from 2 submitters: Uncertain significance (2). Last evaluated 2025-12-04.

gnomAD v4.1: 11 of 1,614,144 alleles (0.00068%); highest among the groups gnomAD compares: East Asian, 0.0067%; no homozygotes.

Submissions (2):

Labcorp Genetics (formerly Invitae), Labcorp
Classification: Uncertain significance. Last evaluated: 2025-12-04. Review status: criteria provided, single submitter. Criteria: Invitae Variant Classification Sherloc (09022015). Collection method: clinical testing. Allele origin: germline.
Comment: This sequence change replaces threonine, which is neutral and polar, with isoleucine, which is neutral and non-polar, at codon 71 of the ZHX3 protein (p.Thr71Ile). This variant is present in population databases (rs745640095, gnomAD no frequency). This variant has not been reported in the literature in individuals affected with ZHX3-related conditions. ClinVar contains an entry for this variant (Variation ID: 3473812). An algorithm developed to predict the effect of missense changes on protein structure and function (PolyPhen-2) suggests that this variant is likely to be tolerated. In summary, the available evidence is currently insufficient to determine the role of this variant in disease. Therefore, it has been classified as a Variant of Uncertain Significance.

Ambry Genetics
Classification: Uncertain significance. Last evaluated: 2024-08-20. Review status: criteria provided, single submitter. Criteria: Ambry Variant Classification Scheme 2023. Collection method: clinical testing. Allele origin: germline.

NM_001384317.1(ZHX3):c.212C>T (p.Thr71Ile)

Gene: ZHX3 (zinc fingers and homeoboxes 3; minus strand). Cytogenetic location: 20q12.
Variant type: single nucleotide variant.
Coding change: c.212C>T on transcript NM_001384317.1 (MANE Select); coding-DNA position 212, C replaced by T.
Protein change: p.Thr71Ile; replaces threonine 71 with isoleucine.
Molecular consequence: missense variant.
Genome position (GRCh38, 1-based): chr20:41,204,705, G>A on the plus strand (C>T on the coding strand, the complement: ZHX3 is on the minus strand). VCF-style: chr20-41204705-G-A. GRCh37 (hg19) VCF-style: chr20-39833345-G-A.
Other names: c.212C>T, p.Thr71Ile (NM_001384315.1, NM_001384316.1, NM_001384318.1 and 8 more transcripts); short protein forms T71I.
Identifiers: ClinVar variation 3473812 (VCV003473812.2).